The following is an entry in ClinVar:

NM_022725.4(FANCF):c.449G>A (p.Gly150Asp)

Gene: FANCF (FA complementation group F; minus strand). Cytogenetic location: 11p14.3.
Variant type: single nucleotide variant.
Coding change: c.449G>A on transcript NM_022725.4 (MANE Select); coding-DNA position 449, G replaced by A.
Protein change: p.Gly150Asp; replaces glycine 150 with aspartic acid.
Molecular consequence: missense variant.
Genome position (GRCh38, 1-based): chr11:22,625,362, C>T on the plus strand (G>A on the coding strand, the complement: FANCF is on the minus strand). VCF-style: chr11-22625362-C-T. GRCh37 (hg19) VCF-style: chr11-22646908-C-T.
Other names: short protein forms G150D.
Identifiers: ClinVar variation 1908914 (VCV001908914.2), dbSNP rs1163436167, ClinGen allele CA380059030.

ClinVar aggregate classification (germline): Uncertain significance (1 of 4 stars; one submission).

Conditions:
Fanconi anemia (FA). Also called: Fanconi's anemia. Identifiers: Orphanet 84, MedGen C0015625, MeSH D005199, MONDO:0019391.

Allele frequency attached by ClinVar (database versions not stated): TOPMed below 0.00001.
gnomAD v4.1: 4 of 1,614,222 alleles (0.00025%); highest among the groups gnomAD compares: East Asian, 0.0022%; no homozygotes.

Submission:

Labcorp Genetics (formerly Invitae), Labcorp
Classification: Uncertain significance for Fanconi anemia. Last evaluated: 2022-10-08. Review status: criteria provided, single submitter. Criteria: Invitae Variant Classification Sherloc (09022015). Collection method: clinical testing. Allele origin: germline.
Comment: This sequence change replaces glycine, which is neutral and non-polar, with aspartic acid, which is acidic and polar, at codon 150 of the FANCF protein (p.Gly150Asp). This variant is present in population databases (no rsID available, gnomAD 0.003%). This variant has not been reported in the literature in individuals affected with FANCF-related conditions. Advanced modeling of protein sequence and biophysical properties (such as structural, functional, and spatial information, amino acid conservation, physicochemical variation, residue mobility, and thermodynamic stability) performed at Invitae indicates that this missense variant is not expected to disrupt FANCF protein function. In summary, the available evidence is currently insufficient to determine the role of this variant in disease. Therefore, it has been classified as a Variant of Uncertain Significance.